The following is an entry in ClinVar:

ClinVar aggregate classification (germline): Uncertain significance. Review status: criteria provided, multiple submitters, no conflicts (2 of 4 stars). 2 submissions from 2 submitters: Uncertain significance (2). Last evaluated 2026-01-26.

Allele frequency attached by ClinVar (database versions not stated): TOPMed 0.00002; gnomAD 0.00006.
gnomAD v4.1: 18 of 1,508,200 alleles (0.0012%); highest among the groups gnomAD compares: Admixed American, 0.02%; no homozygotes.

Submissions (2):

Labcorp Genetics (formerly Invitae), Labcorp
Classification: Uncertain significance. Last evaluated: 2026-01-26. Review status: criteria provided, single submitter. Criteria: Invitae Variant Classification Sherloc (09022015). Collection method: clinical testing. Allele origin: germline.
Comment: This sequence change replaces phenylalanine, which is neutral and non-polar, with serine, which is neutral and polar, at codon 457 of the CARMIL2 protein (p.Phe457Ser). The frequency data for this variant in the population databases is considered unreliable, as metrics indicate poor data quality at this position in the gnomAD database. This variant has not been reported in the literature in individuals affected with CARMIL2-related conditions. ClinVar contains an entry for this variant (Variation ID: 1902966). Invitae Evidence Modeling of protein sequence and biophysical properties (such as structural, functional, and spatial information, amino acid conservation, physicochemical variation, residue mobility, and thermodynamic stability) indicates that this missense variant is expected to disrupt CARMIL2 protein function with a positive predictive value of 80%. In summary, the available evidence is currently insufficient to determine the role of this variant in disease. Therefore, it has been classified as a Variant of Uncertain Significance.

Blueprint Genetics
Classification: Uncertain significance. Last evaluated: 2024-11-05. Review status: criteria provided, single submitter. Criteria: ACMG Guidelines, 2015. Collection method: clinical testing. Allele origin: germline.

NM_001013838.3(CARMIL2):c.1370T>C (p.Phe457Ser)

Gene: CARMIL2 (capping protein regulator and myosin 1 linker 2; plus strand). Cytogenetic location: 16q22.1.
Variant type: single nucleotide variant.
Coding change: c.1370T>C on transcript NM_001013838.3 (MANE Select); coding-DNA position 1370, T replaced by C.
Protein change: p.Phe457Ser; replaces phenylalanine 457 with serine.
Molecular consequence: missense variant.
Genome position (GRCh38, 1-based): chr16:67,648,433, T>C. VCF-style: chr16-67648433-T-C. GRCh37 (hg19) VCF-style: chr16-67682336-T-C.
Other names: c.1262T>C, p.Phe421Ser (NM_001317026.3); short protein forms F421S, F457S.
Identifiers: ClinVar variation 1902966 (VCV001902966.6), dbSNP rs1035056363, ClinGen allele CA283204124.